The following is an entry in ClinVar:

ClinVar aggregate classification (germline): Benign. Review status: criteria provided, multiple submitters, no conflicts (2 of 4 stars). 2 submissions from 2 submitters: Benign (2). Last evaluated 2018-06-14.

Allele frequency attached by ClinVar (database versions not stated): gnomAD exomes 0.16871; gnomAD 0.23309 and 0.23626; TOPMed 0.24777; 1000 Genomes Project 0.28026; 1000 Genomes Project 30x 0.28033.
gnomAD v4.1: 40,773 of 198,771 alleles (21%); highest among the groups gnomAD compares: African/African-American, 45%; 4,345 homozygotes.

Submissions (2):

GeneDx
Classification: Benign. Last evaluated: 2018-06-14. Review status: criteria provided, single submitter. Criteria: GeneDx Variant Classification (06012015). Collection method: clinical testing. Allele origin: germline. Affected: yes.
Comment: This variant is considered likely benign or benign based on one or more of the following criteria: it is a conservative change, it occurs at a poorly conserved position in the protein, it is predicted to be benign by multiple in silico algorithms, and/or has population frequency not consistent with disease.

Breakthrough Genomics
Classification: Benign. Review status: criteria provided, single submitter. Criteria: ACMG Guidelines, 2015. Collection method: not provided. Allele origin: germline. Inheritance: X-linked inheritance. Affected: yes.

NM_004006.3(DMD):c.8218-1069G>A

Gene: DMD (dystrophin; minus strand). Cytogenetic location: Xp21.1.
Variant type: single nucleotide variant.
Coding change: c.8218-1069G>A on transcript NM_004006.3 (MANE Select); 1069 bases into the intron before coding-DNA position 8218, G replaced by A.
Molecular consequence: intron variant.
Genome position (GRCh38, 1-based): chrX:31,508,522, C>T on the plus strand (G>A on the coding strand, the complement: DMD is on the minus strand). VCF-style: chrX-31508522-C-T. GRCh37 (hg19) VCF-style: chrX-31526639-C-T.
Other names: c.8194-1069G>A (NM_000109.4); c.4195-1069G>A (NM_004011.4); c.4186-1069G>A (NM_004012.4); c.838-1069G>A (NM_004023.3, NM_004020.4, NM_004022.3 and 2 more transcripts); c.8206-1069G>A (NM_004009.3); c.7849-1069G>A (NM_004010.3).
Identifiers: ClinVar variation 680534 (VCV000680534.2), dbSNP rs16989681, ClinGen allele CA147859.